The following is an entry in ClinVar:

ClinVar aggregate classification (germline): Uncertain significance. Review status: criteria provided, multiple submitters, no conflicts (2 of 4 stars). 2 submissions from 2 submitters: Uncertain significance (2). Last evaluated 2023-12-26.

Conditions:
Hereditary cancer-predisposing syndrome. Also called: Neoplastic Syndromes, Hereditary; Tumor predisposition; Hereditary Cancer Syndrome; Hereditary neoplastic syndrome. Identifiers: Orphanet 140162, MedGen C0027672, MeSH D009386, MONDO:0015356.
Ataxia-telangiectasia syndrome (AT). Also called: ATAXIA-TELANGIECTASIA, COMPLEMENTATION GROUP A; ATAXIA-TELANGIECTASIA, FRESNO VARIANT; Ataxia-telangiectasia; Ataxia-telangiectasia, complementation group D; AT, COMPLEMENTATION GROUP C; Ataxia-telangiectasia, complementation group E. Identifiers: Orphanet 100, MedGen C0004135, MONDO:0008840, OMIM 208900.

Submissions (2):

Labcorp Genetics (formerly Invitae), Labcorp
Classification: Uncertain significance for Ataxia-telangiectasia syndrome. Last evaluated: 2023-12-26. Review status: criteria provided, single submitter. Criteria: Invitae Variant Classification Sherloc (09022015). Collection method: clinical testing. Allele origin: germline.
Comment: This sequence change replaces glycine, which is neutral and non-polar, with glutamic acid, which is acidic and polar, at codon 529 of the ATM protein (p.Gly529Glu). This variant is not present in population databases (gnomAD no frequency). This variant has not been reported in the literature in individuals affected with ATM-related conditions. ClinVar contains an entry for this variant (Variation ID: 524397). An algorithm developed to predict the effect of missense changes on protein structure and function (PolyPhen-2) suggests that this variant is likely to be disruptive. In summary, the available evidence is currently insufficient to determine the role of this variant in disease. Therefore, it has been classified as a Variant of Uncertain Significance.

Ambry Genetics
Classification: Uncertain significance for Hereditary cancer-predisposing syndrome. Last evaluated: 2023-05-06. Review status: criteria provided, single submitter. Criteria: Ambry Variant Classification Scheme 2023. Collection method: clinical testing. Allele origin: germline.
Comment: The p.G529E variant (also known as c.1586G>A), located in coding exon 9 of the ATM gene, results from a G to A substitution at nucleotide position 1586. The glycine at codon 529 is replaced by glutamic acid, an amino acid with similar properties. This amino acid position is conserved. In addition, this alteration is predicted to be deleterious by in silico analysis. Since supporting evidence is limited at this time, the clinical significance of this alteration remains unclear.

NM_000051.4(ATM):c.1586G>A (p.Gly529Glu)

Gene: ATM (ATM serine/threonine kinase; plus strand). Cytogenetic location: 11q22.3.
Variant type: single nucleotide variant.
Coding change: c.1586G>A on transcript NM_000051.4 (MANE Select); coding-DNA position 1586, G replaced by A.
Protein change: p.Gly529Glu; replaces glycine 529 with glutamic acid.
Molecular consequence: missense variant.
Genome position (GRCh38, 1-based): chr11:108,251,051, G>A. VCF-style: chr11-108251051-G-A. GRCh37 (hg19) VCF-style: chr11-108121778-G-A.
Other names: c.1586G>A, p.Gly529Glu (NM_001351834.2); short protein forms G529E.
Identifiers: ClinVar variation 524397 (VCV000524397.9), dbSNP rs1555071242, ClinGen allele CA382534416.